The following is an entry in ClinVar:

ClinVar aggregate classification (germline): Uncertain significance. Review status: criteria provided, multiple submitters, no conflicts (2 of 4 stars). 4 submissions from 4 submitters: Uncertain significance (4). Last evaluated 2024-09-24.

Conditions:
Fanconi anemia complementation group J. Also called: BRIP1-Related Fanconi Anemia. Identifiers: Orphanet 84, MedGen C1836860, MONDO:0012187, OMIM 609054.
Familial cancer of breast. Also called: hereditary breast carcinoma; BREAST CANCER, FAMILIAL; Hereditary breast cancer. Identifiers: Orphanet 227535, MedGen C0346153, MONDO:0016419, OMIM 114480. Disease mechanism: loss of function.
Hereditary cancer-predisposing syndrome. Also called: Hereditary neoplastic syndrome; Tumor predisposition; Hereditary Cancer Syndrome; Neoplastic Syndromes, Hereditary. Identifiers: Orphanet 140162, MedGen C0027672, MeSH D009386, MONDO:0015356.

Allele frequency attached by ClinVar (database versions not stated): gnomAD exomes below 0.00001; TOPMed below 0.00001; ExAC 0.00001; gnomAD 0.00001.
gnomAD v4.1: 3 of 1,610,566 alleles (0.00019%); highest among the groups gnomAD compares: Non-Finnish European, 0.00025%; no homozygotes.

Submissions (4):

Labcorp Genetics (formerly Invitae), Labcorp
Classification: Uncertain significance for Familial cancer of breast; Fanconi anemia complementation group J. Last evaluated: 2024-09-24. Review status: criteria provided, single submitter. Criteria: Invitae Variant Classification Sherloc (09022015). Collection method: clinical testing. Allele origin: germline.
Comment: This sequence change falls in intron 18 of the BRIP1 gene. It does not directly change the encoded amino acid sequence of the BRIP1 protein. It affects a nucleotide within the consensus splice site. This variant is present in population databases (rs758858747, gnomAD 0.002%). This variant has not been reported in the literature in individuals affected with BRIP1-related conditions. ClinVar contains an entry for this variant (Variation ID: 580502). Variants that disrupt the consensus splice site are a relatively common cause of aberrant splicing (PMID: 17576681, 9536098). Algorithms developed to predict the effect of sequence changes on RNA splicing suggest that this variant may disrupt the consensus splice site. In summary, the available evidence is currently insufficient to determine the role of this variant in disease. Therefore, it has been classified as a Variant of Uncertain Significance.

Ambry Genetics
Classification: Uncertain significance for Hereditary cancer-predisposing syndrome. Last evaluated: 2024-06-04. Review status: criteria provided, single submitter. Criteria: Ambry Variant Classification Scheme 2023. Collection method: clinical testing. Allele origin: germline.
Comment: The c.2575+4A>G intronic variant results from an A to G substitution 4 nucleotides after coding exon 17 in the BRIP1 gene. This nucleotide position is highly conserved in available vertebrate species. In silico splice site analysis predicts that this alteration will weaken the native splice donor site; however, direct evidence is insufficient at this time (Ambry internal data). Since supporting evidence is limited at this time, the clinical significance of this alteration remains unclear.

Sema4
Classification: Uncertain significance for Hereditary cancer-predisposing syndrome. Last evaluated: 2021-09-23. Review status: criteria provided, single submitter. Criteria: Sema4 Curation Guidelines. Collection method: curation. Allele origin: germline.
Comment: The BRIP1 c.2575+4A>G variant has not been reported in the literature to our knowledge. It was not observed in the large and broad cohorts of the Genome Aggregation Database, but has been reported in ClinVar (Variation ID 580502). In silico tools suggest the variant may disrupt normal splicing, though these predictions have not been confirmed by functional studies. The evidence is insufficient to meet ACMG/AMP criteria for classifying the variant as benign or pathogenic. Thus, the clinical significance of this variant is currently uncertain.

Color Diagnostics, LLC DBA Color Health
Classification: Uncertain significance for Hereditary cancer-predisposing syndrome. Last evaluated: 2019-02-25. Review status: criteria provided, single submitter. Criteria: ACMG Guidelines, 2015. Collection method: clinical testing. Allele origin: germline.

Literature cited by the submitters: PubMed 17576681 (cited by Labcorp Genetics (formerly Invitae), Labcorp); PubMed 9536098 (cited by Labcorp Genetics (formerly Invitae), Labcorp).

NM_032043.3(BRIP1):c.2575+4A>G

Gene: BRIP1 (BRCA1 interacting DNA helicase 1; minus strand). Cytogenetic location: 17q23.2.
Variant type: single nucleotide variant.
Coding change: c.2575+4A>G on transcript NM_032043.3 (MANE Select); 4 bases into the intron after coding-DNA position 2575, A replaced by G.
Molecular consequence: intron variant.
Genome position (GRCh38, 1-based): chr17:61,693,426, T>C on the plus strand (A>G on the coding strand, the complement: BRIP1 is on the minus strand). VCF-style: chr17-61693426-T-C. GRCh37 (hg19) VCF-style: chr17-59770787-T-C.
Identifiers: ClinVar variation 580502 (VCV000580502.14), dbSNP rs758858747, ClinGen allele CA8690484.